The following is an entry in ClinVar:

ClinVar aggregate classification (germline): Benign. Review status: criteria provided, multiple submitters, no conflicts (2 of 4 stars). 10 submissions from 9 submitters: Benign (10). Last evaluated 2026-02-04.

Conditions:
Syndactyly. Also called: Webbed fingers or toes. Identifiers: MedGen C0039075, MONDO:0021002, HP:0001159.
Spondylocostal dysostosis 1, autosomal recessive (SCDO1). Also called: DLL3-Related Spondylocostal Dysostosis, Autosomal Recessive. Identifiers: Orphanet 2311, MedGen CN032975, MONDO:0020692, OMIM 277300.

Allele frequency attached by ClinVar (database versions not stated): TOPMed 0.26659; ExAC 0.33248; 1000 Genomes Project 30x 0.24063; 1000 Genomes Project 0.24301.
gnomAD v4.1: 462,077 of 1,451,786 alleles (32%); highest among the groups gnomAD compares: Middle Eastern, 37%; 75,995 homozygotes.

Submissions (10):

Labcorp Genetics (formerly Invitae), Labcorp
Classification: Benign. Last evaluated: 2026-02-04. Review status: criteria provided, single submitter. Criteria: Invitae Variant Classification Sherloc (09022015). Collection method: clinical testing. Allele origin: germline.

ARUP Laboratories, Molecular Genetics and Genomics, ARUP Laboratories
Classification: Benign for Spondylocostal dysostosis 1, autosomal recessive. Last evaluated: 2025-06-24. Review status: criteria provided, single submitter. Criteria: ARUP Molecular Germline Variant Investigation Process 2024. Collection method: clinical testing. Allele origin: germline.

Blueprint Genetics
Classification: Benign. Last evaluated: 2024-11-28. Review status: criteria provided, single submitter. Criteria: ACMG Guidelines, 2015. Collection method: clinical testing. Allele origin: germline.

Genome-Nilou Lab
Classification: Benign for Spondylocostal dysostosis 1, autosomal recessive. Last evaluated: 2021-07-30. Review status: criteria provided, single submitter. Criteria: ACMG Guidelines, 2015. Collection method: clinical testing. Allele origin: germline. Affected: no.

Illumina Laboratory Services, Illumina
Classification: Benign for Non-syndromic syndactyly. Last evaluated: 2018-01-13. Review status: criteria provided, single submitter. Criteria: ICSL Variant Classification Criteria 13 December 2019. Collection method: clinical testing. Allele origin: germline.
Comment: This variant was observed in the ICSL laboratory as part of a predisposition screen in an ostensibly healthy population. It had not been previously curated by ICSL or reported in the Human Gene Mutation Database (HGMD: prior to June 1st, 2018), and was therefore a candidate for classification through an automated scoring system. Utilizing variant allele frequency, disease prevalence and penetrance estimates, and inheritance mode, an automated score was calculated to assess if this variant is too frequent to cause the disease. Based on the score and internal cut-off values, a variant classified as benign is not then subjected to further curation. The score for this variant resulted in a classification of benign for this disease.

Illumina Laboratory Services, Illumina
Classification: Benign for Spondylocostal dysostosis 1, autosomal recessive. Last evaluated: 2018-01-13. Review status: criteria provided, single submitter. Criteria: ICSL Variant Classification Criteria 13 December 2019. Collection method: clinical testing. Allele origin: germline.
Comment: the same text as in the submission from Illumina Laboratory Services, Illumina above.

Eurofins Ntd Llc (ga)
Classification: Benign. Last evaluated: 2017-06-22. Review status: criteria provided, single submitter. Criteria: EGL Classification Definitions 2015. Collection method: clinical testing. Allele origin: germline. Observed: 1 variant allele, 1 heterozygote.

GeneDx
Classification: Benign. Last evaluated: 2016-03-21. Review status: criteria provided, single submitter. Criteria: GeneDx Variant Classification (06012015). Collection method: clinical testing. Allele origin: germline. Affected: yes.
Comment: This variant is considered likely benign or benign based on one or more of the following criteria: it is a conservative change, it occurs at a poorly conserved position in the protein, it is predicted to be benign by multiple in silico algorithms, and/or has population frequency not consistent with disease.

Breakthrough Genomics
Classification: Benign. Review status: criteria provided, single submitter. Criteria: ACMG Guidelines, 2015. Collection method: not provided. Allele origin: germline. Inheritance: Autosomal recessive inheritance. Affected: yes.

PreventionGenetics, part of Exact Sciences
Classification: Benign. Review status: criteria provided, single submitter. Criteria: ACMG Guidelines, 2015. Collection method: clinical testing. Allele origin: germline.

NM_203486.3(DLL3):c.546C>G (p.Ala182=)

Genes: DLL3 (delta like canonical Notch ligand 3; plus strand), LOC130064417 (ATAC-STARR-seq lymphoblastoid silent region 10608; plus strand). Cytogenetic location: 19q13.2.
Variant type: single nucleotide variant.
Coding change: c.546C>G on transcript NM_203486.3 (MANE Select); coding-DNA position 546, C replaced by G.
Protein change: p.Ala182=; no amino-acid change (alanine 182 retained).
Molecular consequence: synonymous variant.
Genome position (GRCh38, 1-based): chr19:39,502,951, C>G. VCF-style: chr19-39502951-C-G. GRCh37 (hg19) VCF-style: chr19-39993591-C-G.
Other names: c.546C>G, p.Ala182= (NM_016941.4).
Identifiers: ClinVar variation 260780 (VCV000260780.34), dbSNP rs8106337, ClinGen allele CA9432212.